The following is an entry in ClinVar:

ClinVar aggregate classification (germline): Likely benign. Review status: criteria provided, multiple submitters, no conflicts (2 of 4 stars). 2 submissions from 2 submitters: Likely benign (2). Last evaluated 2026-01-11.

Conditions:
Familial hemophagocytic lymphohistiocytosis 3 (FHL3). Also called: UNC13D-Related Familial Hemophagocytic Lymphohistiocytosis (UNC13D-fHLH). Identifiers: Orphanet 540, MedGen C1837174, MONDO:0012146, OMIM 608898.

Allele frequency attached by ClinVar (database versions not stated): ExAC 0.00003; gnomAD exomes 0.00003 and 0.00005; gnomAD 0.00005; TOPMed 0.00008.
gnomAD v4.1: 50 of 1,607,060 alleles (0.0031%); highest among the groups gnomAD compares: Middle Eastern, 0.017%; no homozygotes.

Submissions (2):

Labcorp Genetics (formerly Invitae), Labcorp
Classification: Likely benign for Familial hemophagocytic lymphohistiocytosis 3. Last evaluated: 2026-01-11. Review status: criteria provided, single submitter. Criteria: Invitae Variant Classification Sherloc (09022015). Collection method: clinical testing. Allele origin: germline.

Mayo Clinic Laboratories, Mayo Clinic
Classification: Likely benign. Last evaluated: 2025-06-24. Review status: criteria provided, single submitter. Criteria: ACMG Guidelines, 2015. Collection method: clinical testing. Allele origin: germline. Observed: 1 variant allele.
Comment: BP4, BP7

NM_199242.3(UNC13D):c.3018C>T (p.Tyr1006=)

Gene: UNC13D (unc-13 homolog D; minus strand). Cytogenetic location: 17q25.1.
Variant type: single nucleotide variant.
Coding change: c.3018C>T on transcript NM_199242.3 (MANE Select); coding-DNA position 3018, C replaced by T.
Protein change: p.Tyr1006=; no amino-acid change (tyrosine 1006 retained).
Molecular consequence: synonymous variant.
Genome position (GRCh38, 1-based): chr17:75,828,920, G>A on the plus strand (C>T on the coding strand, the complement: UNC13D is on the minus strand). VCF-style: chr17-75828920-G-A. GRCh37 (hg19) VCF-style: chr17-73825001-G-A.
Other names: p.Tyr1006=; c.3018C>T (NM_199242.2).
Identifiers: ClinVar variation 1087118 (VCV001087118.10), dbSNP rs775862197, ClinGen allele CA8772308.